The following is an entry in ClinVar:

ClinVar aggregate classification (germline): Uncertain significance (1 of 4 stars; one submission).

Conditions:
Inborn genetic diseases. Identifiers: MedGen C0950123, MeSH D030342.

Submission:

Ambry Genetics
Classification: Uncertain significance for Inborn genetic diseases. Last evaluated: 2025-03-24. Review status: criteria provided, single submitter. Criteria: Ambry Variant Classification Scheme 2023. Collection method: clinical testing. Allele origin: germline.
Comment: The p.F358V variant (also known as c.1072T>G), located in coding exon 5 of the SH2B3 gene, results from a T to G substitution at nucleotide position 1072. The phenylalanine at codon 358 is replaced by valine, an amino acid with highly similar properties. This amino acid position is conserved. In addition, the in silico prediction for this alteration is inconclusive. Based on the available evidence, the clinical significance of this variant remains unclear.

NM_005475.3(SH2B3):c.1072T>G (p.Phe358Val)

Gene: SH2B3 (SH2B adaptor protein 3; plus strand). Cytogenetic location: 12q24.12.
Variant type: single nucleotide variant.
Coding change: c.1072T>G on transcript NM_005475.3 (MANE Select); coding-DNA position 1072, T replaced by G.
Protein change: p.Phe358Val; replaces phenylalanine 358 with valine.
Molecular consequence: missense variant.
Genome position (GRCh38, 1-based): chr12:111,447,380, T>G. VCF-style: chr12-111447380-T-G. GRCh37 (hg19) VCF-style: chr12-111885184-T-G.
Other names: c.466T>G, p.Phe156Val (NM_001291424.1); short protein forms F358V, F156V.
Identifiers: ClinVar variation 3953382 (VCV003953382.1).